The following is an entry in ClinVar:

NM_145020.5(CFAP53):c.117A>G (p.Arg39=)

Gene: CFAP53 (cilia and flagella associated protein 53; minus strand). Cytogenetic location: 18q21.1.
Variant type: single nucleotide variant.
Coding change: c.117A>G on transcript NM_145020.5 (MANE Select); coding-DNA position 117, A replaced by G.
Protein change: p.Arg39=; no amino-acid change (arginine 39 retained).
Molecular consequence: synonymous variant.
Genome position (GRCh38, 1-based): chr18:50,262,172, T>C on the plus strand (A>G on the coding strand, the complement: CFAP53 is on the minus strand). VCF-style: chr18-50262172-T-C. GRCh37 (hg19) VCF-style: chr18-47788542-T-C.
Identifiers: ClinVar variation 2742478 (VCV002742478.23), dbSNP rs371804359, ClinGen allele CA8962505.

ClinVar aggregate classification (germline): Likely benign. Review status: criteria provided, multiple submitters, no conflicts (2 of 4 stars). 3 submissions from 3 submitters: Likely benign (3). Last evaluated 2024-05-01.

Conditions:
Heterotaxy, visceral, 6, autosomal (HTX6). Also called: Heterotaxy, visceral, 6, autosomal recessive. Identifiers: Orphanet 450, MedGen C3553676, MONDO:0013887, OMIM 614779.

Allele frequency attached by ClinVar (database versions not stated): gnomAD exomes 0.00003; ExAC 0.00004; gnomAD 0.00005; TOPMed 0.00006.
gnomAD v4.1: 60 of 1,614,238 alleles (0.0037%); highest among the groups gnomAD compares: Middle Eastern, 0.049%; no homozygotes.

Submissions (3):

CeGaT Center for Human Genetics Tuebingen
Classification: Likely benign. Last evaluated: 2024-05-01. Review status: criteria provided, single submitter. Criteria: CeGaT Center For Human Genetics Tuebingen Variant Classification Criteria Version 2. Collection method: clinical testing. Allele origin: germline. Affected: yes. Observed: 1 variant allele.
Comment: CFAP53: BP4, BP7

Labcorp Genetics (formerly Invitae), Labcorp
Classification: Likely benign for Heterotaxy, visceral, 6, autosomal. Last evaluated: 2024-02-26. Review status: criteria provided, single submitter. Criteria: Invitae Variant Classification Sherloc (09022015). Collection method: clinical testing. Allele origin: germline.

Blueprint Genetics
Classification: Likely benign. Last evaluated: 2023-04-20. Review status: criteria provided, single submitter. Criteria: ACMG Guidelines, 2015. Collection method: clinical testing. Allele origin: germline.